The following is an entry in ClinVar:

ClinVar aggregate classification (germline): Benign/Likely benign. Review status: criteria provided, multiple submitters, no conflicts (2 of 4 stars). 2 submissions from 2 submitters: Benign (1); Likely benign (1). Last evaluated 2024-03-01.

Allele frequency attached by ClinVar (database versions not stated): 1000 Genomes Project 30x 0.00078; 1000 Genomes Project 0.00080; ESP Exome Variant Server 0.00263; TOPMed 0.00283; gnomAD 0.00311; gnomAD exomes 0.00346.
gnomAD v4.1: 5,055 of 1,480,430 alleles (0.34%); highest among the groups gnomAD compares: Non-Finnish European, 0.36%; 20 homozygotes.

Submissions (2):

CeGaT Center for Human Genetics Tuebingen
Classification: Likely benign. Last evaluated: 2024-03-01. Review status: criteria provided, single submitter. Criteria: CeGaT Center For Human Genetics Tuebingen Variant Classification Criteria Version 2. Collection method: clinical testing. Allele origin: germline. Affected: yes. Observed: 2 variant alleles.
Comment: DAB2IP: BP4, BP7

Labcorp Genetics (formerly Invitae), Labcorp
Classification: Benign. Last evaluated: 2018-07-06. Review status: criteria provided, single submitter. Criteria: Invitae Variant Classification Sherloc (09022015). Collection method: clinical testing. Allele origin: germline.

NM_001395010.1(DAB2IP):c.291C>T (p.Asp97=)

Gene: DAB2IP (DAB2 interacting protein; plus strand). Cytogenetic location: 9q33.2.
Variant type: single nucleotide variant.
Coding change: c.291C>T on transcript NM_001395010.1 (MANE Select); coding-DNA position 291, C replaced by T.
Protein change: p.Asp97=; no amino-acid change (aspartic acid 97 retained).
Molecular consequence: synonymous variant.
Genome position (GRCh38, 1-based): chr9:121,699,387, C>T. VCF-style: chr9-121699387-C-T. GRCh37 (hg19) VCF-style: chr9-124461666-C-T.
Other names: c.207C>T, p.Asp69= (NM_032552.4).
Identifiers: ClinVar variation 781934 (VCV000781934.28), dbSNP rs200769141, ClinGen allele CA5221993.
Genomic context (GRCh38, chr9:121,699,387, plus strand): 5'-CTTCCTCAGCCGCCGCCTCAAGGGCTCCATCAAGCGCACCAAGAGCCAGCCCAAGCTGGA[C>T]CGCAACCACAGCTTCCGCCACATCCTGCCGGGGTTCCGGAGCGCCGCCGCCGCCGCCGCG-3'
Protein context (NP_001381939.1, residues 87-107): IKRTKSQPKL[Asp97=]RNHSFRHILP